The following is an entry in ClinVar:

NM_139057.4(ADAMTS17):c.1608G>A (p.Thr536=)

Gene: ADAMTS17 (ADAM metallopeptidase with thrombospondin type 1 motif 17; minus strand). Cytogenetic location: 15q26.3.
Variant type: single nucleotide variant.
Coding change: c.1608G>A on transcript NM_139057.4 (MANE Select); coding-DNA position 1608, G replaced by A.
Protein change: p.Thr536=; no amino-acid change (threonine 536 retained).
Molecular consequence: synonymous variant.
Genome position (GRCh38, 1-based): chr15:100,132,120, C>T on the plus strand (G>A on the coding strand, the complement: ADAMTS17 is on the minus strand). VCF-style: chr15-100132120-C-T. GRCh37 (hg19) VCF-style: chr15-100672325-C-T.
Other names: p.Thr536=.
Identifiers: ClinVar variation 718881 (VCV000718881.9), dbSNP rs547988683, ClinGen allele CA7758152.

ClinVar aggregate classification (germline): Likely benign. Review status: criteria provided, multiple submitters, no conflicts (2 of 4 stars). 2 submissions from 2 submitters: Likely benign (2). Last evaluated 2025-09-11.

Allele frequency attached by ClinVar (database versions not stated): gnomAD 0.00008 and 0.00009; TOPMed 0.00008; ExAC 0.00003; 1000 Genomes Project 30x 0.00016; 1000 Genomes Project 0.00020.
gnomAD v4.1: 73 of 1,614,046 alleles (0.0045%); highest among the groups gnomAD compares: Admixed American, 0.035%; no homozygotes.

Submissions (2):

Mayo Clinic Laboratories, Mayo Clinic
Classification: Likely benign. Last evaluated: 2025-09-11. Review status: criteria provided, single submitter. Criteria: ACMG Guidelines, 2015. Collection method: clinical testing. Allele origin: germline. Observed: 1 variant allele.
Comment: BP4, BP7

Labcorp Genetics (formerly Invitae), Labcorp
Classification: Likely benign. Last evaluated: 2025-03-18. Review status: criteria provided, single submitter. Criteria: Invitae Variant Classification Sherloc (09022015). Collection method: clinical testing. Allele origin: germline.